The following is an entry in ClinVar:

NM_001378457.1(DMXL2):c.7789C>A (p.Pro2597Thr)

Gene: DMXL2 (Dmx like 2; minus strand). Cytogenetic location: 15q21.2.
Variant type: single nucleotide variant.
Coding change: c.7789C>A on transcript NM_001378457.1 (MANE Select); coding-DNA position 7789, C replaced by A.
Protein change: p.Pro2597Thr; replaces proline 2597 with threonine.
Molecular consequence: missense variant. On other transcripts: non-coding transcript variant (1), intron variant (2).
Genome position (GRCh38, 1-based): chr15:51,464,694, G>T on the plus strand (C>A on the coding strand, the complement: DMXL2 is on the minus strand). VCF-style: chr15-51464694-G-T. GRCh37 (hg19) VCF-style: chr15-51756891-G-T.
Other names: c.7789C>A, p.Pro2597Thr (NM_001174116.3, NM_001378461.1); c.5878C>A, p.Pro1960Thr (NM_001174117.3); c.7786C>A, p.Pro2596Thr (NM_001378458.1, NM_001378462.1, NM_015263.5); c.5767C>A, p.Pro1923Thr (NM_001378460.1); c.7546C>A, p.Pro2516Thr (NM_001378464.1); c.7521-1198C>A (NM_001378459.1); c.7606+872C>A (NM_001378463.1); c.7789C>A (NM_001174116.1); short protein forms P1960T, P2516T, P2596T, P1923T, P2597T.
Identifiers: ClinVar variation 1960569 (VCV001960569.3), dbSNP rs1197826935, ClinGen allele CA392438638.

ClinVar aggregate classification (germline): Uncertain significance. Review status: criteria provided, multiple submitters, no conflicts (2 of 4 stars). 2 submissions from 2 submitters: Uncertain significance (2). Last evaluated 2024-06-07.

Allele frequency attached by ClinVar (database versions not stated): gnomAD 0.00001; TOPMed 0.00001.
gnomAD v4.1: 1 of 1,613,840 alleles (0.000062%); highest among the groups gnomAD compares: African/African-American, 0.0013%; no homozygotes.

Submissions (2):

GeneDx
Classification: Uncertain significance. Last evaluated: 2024-06-07. Review status: criteria provided, single submitter. Criteria: GeneDx Variant Classification Process June 2021. Collection method: clinical testing. Allele origin: germline. Affected: yes.
Comment: Not observed at significant frequency in large population cohorts (gnomAD); In silico analysis supports that this missense variant has a deleterious effect on protein structure/function; Has not been previously published as pathogenic or benign to our knowledge

Labcorp Genetics (formerly Invitae), Labcorp
Classification: Uncertain significance. Last evaluated: 2022-04-30. Review status: criteria provided, single submitter. Criteria: Invitae Variant Classification Sherloc (09022015). Collection method: clinical testing. Allele origin: germline.
Comment: This sequence change replaces proline, which is neutral and non-polar, with threonine, which is neutral and polar, at codon 2597 of the DMXL2 protein (p.Pro2597Thr). This variant is not present in population databases (gnomAD no frequency). This variant has not been reported in the literature in individuals affected with DMXL2-related conditions. Algorithms developed to predict the effect of missense changes on protein structure and function are either unavailable or do not agree on the potential impact of this missense change (SIFT: "Tolerated"; PolyPhen-2: "Possibly Damaging"; Align-GVGD: "Class C0"). In summary, the available evidence is currently insufficient to determine the role of this variant in disease. Therefore, it has been classified as a Variant of Uncertain Significance.